The following is an entry in ClinVar:

NM_002150.3(HPD):c.104T>C (p.Phe35Ser)

Genes: HPD (4-hydroxyphenylpyruvate dioxygenase; minus strand), TIALD (transcript inducer of AURKA lysosomal degradation; plus strand). Cytogenetic location: 12q24.31.
Variant type: single nucleotide variant.
Coding change: c.104T>C on transcript NM_002150.3 (MANE Select); coding-DNA position 104, T replaced by C.
Protein change: p.Phe35Ser; replaces phenylalanine 35 with serine.
Molecular consequence: missense variant. On other transcripts: 5 prime UTR variant (1).
Genome position (GRCh38, 1-based): chr12:121,857,422, A>G on the plus strand (T>C on the coding strand, the complement: HPD is on the minus strand). VCF-style: chr12-121857422-A-G. GRCh37 (hg19) VCF-style: chr12-122295328-A-G.
Other names: c.-14T>C (NM_001171993.2); short protein forms F35S.
Identifiers: ClinVar variation 638896 (VCV000638896.9), dbSNP rs1592923946, ClinGen allele CA387002471.

ClinVar aggregate classification (germline): Uncertain significance (1 of 4 stars; one submission).

Conditions:
Hawkinsinuria. Identifiers: Orphanet 2118, MedGen C2931042, MONDO:0007700, OMIM 140350, HP:0034457.
Tyrosinemia type III. Also called: 4-HYDROXYPHENYLPYRUVIC ACID OXIDASE DEFICIENCY; Tyrosinemia type 3; 4-alpha hydroxyphenylpyruvic acid oxidase deficiency; 4-alpha hydroxyphenylpyruvate dioxygenase deficiency; 4-Hydroxyphenylpyruvate dioxygenase deficiency. Identifiers: Orphanet 69723, MedGen C0268623, MONDO:0010162, OMIM 276710.

Submission:

Labcorp Genetics (formerly Invitae), Labcorp
Classification: Uncertain significance for Tyrosinemia type III; Hawkinsinuria. Last evaluated: 2018-11-26. Review status: criteria provided, single submitter. Criteria: Invitae Variant Classification Sherloc (09022015). Collection method: clinical testing. Allele origin: germline.
Comment: In summary, the available evidence is currently insufficient to determine the role of this variant in disease. Therefore, it has been classified as a Variant of Uncertain Significance. Algorithms developed to predict the effect of missense changes on protein structure and function (SIFT, PolyPhen-2, Align-GVGD) all suggest that this variant is likely to be disruptive, but these predictions have not been confirmed by published functional studies and their clinical significance is uncertain. This variant has not been reported in the literature in individuals with HPD-related disease. This variant is not present in population databases (ExAC no frequency). This sequence change replaces phenylalanine with serine at codon 35 of the HPD protein (p.Phe35Ser). The phenylalanine residue is moderately conserved and there is a large physicochemical difference between phenylalanine and serine.